The following is an entry in ClinVar:

ClinVar aggregate classification (germline): Uncertain significance. Review status: criteria provided, multiple submitters, no conflicts (2 of 4 stars). 2 submissions from 2 submitters: Uncertain significance (2). Last evaluated 2024-09-01.

Conditions:
Inborn genetic diseases. Identifiers: MedGen C0950123, MeSH D030342.

Allele frequency attached by ClinVar (database versions not stated): ExAC 0.00015; 1000 Genomes Project 30x 0.00016; gnomAD 0.00042; TOPMed 0.00046.
gnomAD v4.1: 120 of 1,561,656 alleles (0.0077%); highest among the groups gnomAD compares: African/African-American, 0.15%; 1 homozygote.

Submissions (2):

Ambry Genetics
Classification: Uncertain significance for Inborn genetic diseases. Last evaluated: 2024-09-01. Review status: criteria provided, single submitter. Criteria: Ambry Variant Classification Scheme 2023. Collection method: clinical testing. Allele origin: germline.

Labcorp Genetics (formerly Invitae), Labcorp
Classification: Uncertain significance. Last evaluated: 2022-06-12. Review status: criteria provided, single submitter. Criteria: Invitae Variant Classification Sherloc (09022015). Collection method: clinical testing. Allele origin: germline.
Comment: In summary, the available evidence is currently insufficient to determine the role of this variant in disease. Therefore, it has been classified as a Variant of Uncertain Significance. Algorithms developed to predict the effect of missense changes on protein structure and function (SIFT, PolyPhen-2, Align-GVGD) all suggest that this variant is likely to be tolerated. This variant has not been reported in the literature in individuals affected with LAMA5-related conditions. This variant is present in population databases (rs753042508, gnomAD 0.1%). This sequence change replaces isoleucine, which is neutral and non-polar, with methionine, which is neutral and non-polar, at codon 2005 of the LAMA5 protein (p.Ile2005Met).

NM_005560.6(LAMA5):c.6015C>G (p.Ile2005Met)

Gene: LAMA5 (laminin subunit alpha 5; minus strand). Cytogenetic location: 20q13.33.
Variant type: single nucleotide variant.
Coding change: c.6015C>G on transcript NM_005560.6 (MANE Select); coding-DNA position 6015, C replaced by G.
Protein change: p.Ile2005Met; replaces isoleucine 2005 with methionine.
Molecular consequence: missense variant.
Genome position (GRCh38, 1-based): chr20:62,323,505, G>C on the plus strand (C>G on the coding strand, the complement: LAMA5 is on the minus strand). VCF-style: chr20-62323505-G-C. GRCh37 (hg19) VCF-style: chr20-60898561-G-C.
Other names: c.6015C>G (NM_005560.3); short protein forms I2005M.
Identifiers: ClinVar variation 2181000 (VCV002181000.5), dbSNP rs753042508, ClinGen allele CA9941936.